The following is an entry in ClinVar:

NM_000088.4(COL1A1):c.432del (p.Gly145fs)

Gene: COL1A1 (collagen type I alpha 1 chain; minus strand). Cytogenetic location: 17q21.33.
Variant type: Deletion.
Coding change: c.432del on transcript NM_000088.4 (MANE Select); coding-DNA position 432, one base deleted (C; older notation c.432delC).
Protein change: p.Gly145fs; shifts the reading frame from glycine 145.
Molecular consequence: frameshift variant.
Genome position (GRCh38, 1-based): chr17:50,199,265, G deleted on the plus strand (C on the coding strand, the reverse complement: COL1A1 is on the minus strand); the first of 6 consecutive G bases (chr17:50,199,265-50,199,270); deleting any one gives the same sequence. VCF-style (leftmost placement, unchanged base first): chr17-50199264-CG-C. GRCh37 (hg19) VCF-style: chr17-48276625-CG-C.
Other names: c.432delC (NM_000088.4); short protein forms G145fs.
Identifiers: ClinVar variation 1357973 (VCV001357973.10), dbSNP rs72667016, ClinGen allele CA291550378.

ClinVar aggregate classification (germline): Pathogenic/Likely pathogenic. Review status: criteria provided, multiple submitters, no conflicts (2 of 4 stars). 3 submissions from 3 submitters: Pathogenic (1); Likely pathogenic (1). 1 of the submissions does not count toward it. Last evaluated 2025-05-05.

Conditions:
Osteogenesis imperfecta type I (OI1). Also called: OI, TYPE I; OSTEOGENESIS IMPERFECTA TARDA; OSTEOGENESIS IMPERFECTA WITH BLUE SCLERAE; Osteogenesis imperfecta type 1; Lobstein disease; Classic Non-deforming Osteogenesis Imperfecta with Blue Sclerae. Identifiers: Orphanet 216796, Orphanet 666, MedGen C0023931, MONDO:0008146, OMIM 166200. Disease mechanism: loss of function.
Osteogenesis imperfecta with normal sclerae, dominant form (OI4). Also called: Osteogenesis Imperfecta Type IV; OSTEOGENESIS IMPERFECTA WITH NORMAL SCLERAE; Osteogenesis imperfecta type 4; OSTEOGENESIS IMPERFECTA, TYPE IV, WITH DENTINOGENESIS IMPERFECTA; Common Variable Osteogenesis Imperfecta with Normal Sclerae. Identifiers: Orphanet 216820, Orphanet 666, MedGen C0268363, MONDO:0008148, OMIM 166220.

Submissions (3):

Labcorp Genetics (formerly Invitae), Labcorp
Classification: Pathogenic for Osteogenesis imperfecta type I. Last evaluated: 2025-05-05. Review status: criteria provided, single submitter. Criteria: Invitae Variant Classification Sherloc (09022015). Collection method: clinical testing. Allele origin: germline.
Comment: This sequence change creates a premature translational stop signal (p.Gly145Aspfs*120) in the COL1A1 gene. It is expected to result in an absent or disrupted protein product. Loss-of-function variants in COL1A1 are known to be pathogenic (PMID: 7942841, 9295084, 9443882). The frequency data for this variant in the population databases is considered unreliable, as metrics indicate poor data quality at this position in the gnomAD database. This premature translational stop signal has been observed in individual(s) with osteogenesis imperfecta (PMID: 16786509). This variant is also known as p.P144fsX120. ClinVar contains an entry for this variant (Variation ID: 1357973). For these reasons, this variant has been classified as Pathogenic.

GeneDx
Classification: Likely pathogenic. Last evaluated: 2023-11-30. Review status: criteria provided, single submitter. Criteria: GeneDx Variant Classification Process June 2021. Collection method: clinical testing. Allele origin: germline. Affected: yes.
Comment: Frameshift variant predicted to result in protein truncation or nonsense mediated decay in a gene for which loss-of-function is a known mechanism of disease; This variant is associated with the following publications: (PMID: 33939306, 16786509)

Autoinflammatory diseases unit, CHU de Montpellier
Classification: Pathogenic for Osteogenesis imperfecta with normal sclerae, dominant form. Last evaluated: 2024-10-01. Review status: no assertion criteria provided. Collection method: clinical testing. Allele origin: unknown. Affected: yes. Not counted in ClinVar's aggregate classification.

Literature cited by the submitters: PubMed 7942841 (cited by Labcorp Genetics (formerly Invitae), Labcorp); PubMed 9295084 (cited by Labcorp Genetics (formerly Invitae), Labcorp); PubMed 9443882 (cited by Labcorp Genetics (formerly Invitae), Labcorp); PubMed 16786509 (cited by Labcorp Genetics (formerly Invitae), Labcorp).